The following is an entry in ClinVar:

ClinVar aggregate classification (germline): Pathogenic. Review status: criteria provided, multiple submitters, no conflicts (2 of 4 stars). 3 submissions from 3 submitters: Pathogenic (3). Last evaluated 2024-12-22.

Conditions:
Hereditary cancer-predisposing syndrome. Also called: Neoplastic Syndromes, Hereditary; Tumor predisposition; Hereditary Cancer Syndrome; Hereditary neoplastic syndrome. Identifiers: Orphanet 140162, MedGen C0027672, MeSH D009386, MONDO:0015356.
Hereditary nonpolyposis colorectal neoplasms. Identifiers: MedGen C0009405, MeSH D003123.
Lynch syndrome 4 (LYNCH4). Also called: Colorectal cancer, hereditary nonpolyposis, type 4; Hereditary non-polyposis colorectal cancer, type 4. Identifiers: Orphanet 144, MedGen C1838333, MONDO:0013699, OMIM 614337. Disease mechanism: loss of function.

Submissions (3):

Labcorp Genetics (formerly Invitae), Labcorp
Classification: Pathogenic for Hereditary nonpolyposis colorectal neoplasms. Last evaluated: 2024-12-22. Review status: criteria provided, single submitter. Criteria: Invitae Variant Classification Sherloc (09022015). Collection method: clinical testing. Allele origin: germline.
Comment: This sequence change creates a premature translational stop signal (p.Gly256Valfs*2) in the PMS2 gene. It is expected to result in an absent or disrupted protein product. Loss-of-function variants in PMS2 are known to be pathogenic (PMID: 21376568, 24362816). This variant is not present in population databases (gnomAD no frequency). This variant has not been reported in the literature in individuals affected with PMS2-related conditions. ClinVar contains an entry for this variant (Variation ID: 1760105). For these reasons, this variant has been classified as Pathogenic.

Myriad Genetics, Inc.
Classification: Pathogenic for Lynch syndrome 4. Last evaluated: 2023-09-19. Review status: criteria provided, single submitter. Criteria: Myriad Autosomal Dominant, Autosomal Recessive and X-Linked Classification Criteria (2023). Collection method: clinical testing. Allele origin: unknown.
Comment: This variant is considered pathogenic. This variant creates a frameshift predicted to result in premature protein truncation.

Ambry Genetics
Classification: Pathogenic for Hereditary cancer-predisposing syndrome. Last evaluated: 2019-04-22. Review status: criteria provided, single submitter. Criteria: Ambry Variant Classification Scheme 2023. Collection method: clinical testing. Allele origin: germline.
Comment: The c.767delG pathogenic mutation, located in coding exon 7 of the PMS2 gene, results from a deletion of one nucleotide at nucleotide position 767, causing a translational frameshift with a predicted alternate stop codon (p.G256Vfs*2). This alteration is expected to result in loss of function by premature protein truncation or nonsense-mediated mRNA decay. As such, this alteration is interpreted as a disease-causing mutation.

Literature cited by the submitters: PubMed 21376568 (cited by Labcorp Genetics (formerly Invitae), Labcorp); PubMed 24362816 (cited by Labcorp Genetics (formerly Invitae), Labcorp).

NM_000535.7(PMS2):c.767del (p.Gly256fs)

Gene: PMS2 (PMS1 homolog 2, mismatch repair system component; minus strand). Cytogenetic location: 7p22.1.
Variant type: Deletion.
Coding change: c.767del on transcript NM_000535.7 (MANE Select); coding-DNA position 767, one base deleted (G; older notation c.767delG).
Protein change: p.Gly256fs; shifts the reading frame from glycine 256.
Molecular consequence: frameshift variant. On other transcripts: 5 prime UTR variant (2), non-coding transcript variant (1).
Genome position (GRCh38, 1-based): chr7:5,997,362, C deleted on the plus strand (G on the coding strand, the reverse complement: PMS2 is on the minus strand); the first of 2 consecutive C bases (chr7:5,997,362-5,997,363); deleting either gives the same sequence. VCF-style (leftmost placement, unchanged base first): chr7-5997361-AC-A. GRCh37 (hg19) VCF-style: chr7-6036992-AC-A.
Other names: c.361delG, p.Gly121Valfs (NM_001018040.1, NM_001406887.1, NM_001406888.1 and 15 more transcripts); c.362del, p.Gly121fs (NM_001322003.2, NM_001322004.2, NM_001322005.2 and 2 more transcripts); c.767del, p.Gly256fs (NM_001322006.2, NM_001322014.2); c.449del, p.Gly150fs (NM_001322007.2, NM_001322008.2); c.-167del (NM_001322011.2, NM_001322012.2); c.194del, p.Gly65fs (NM_001322013.2); c.458del, p.Gly153fs (NM_001322015.2); c.952delG, p.Gly318Valfs (NM_001406866.1); and 10 more; short protein forms G121fs, G150fs, G153fs, G256fs, G65fs.
Identifiers: ClinVar variation 1760105 (VCV001760105.5), dbSNP rs2536222225, ClinGen allele CA2580076861.
Genomic context (GRCh38, chr7:5,997,361, plus strand): 5'-GTTCTCTTGCCAGCAATCTACTTACTAAAAAAGATTATGCAGAGCATCGGAACAGCTCAA[AC>A]CGTACTCTTCACACACGGAGTCACTAGGGGGCAGCTGAACAAAAGGAATGAGGCTTTGCA-3'